The following is an entry in ClinVar:

NM_000179.3(MSH6):c.1431C>G (p.Gly477=)

Gene: MSH6 (mutS homolog 6; plus strand). Cytogenetic location: 2p16.3.
Variant type: single nucleotide variant.
Coding change: c.1431C>G on transcript NM_000179.3 (MANE Select); coding-DNA position 1431, C replaced by G.
Protein change: p.Gly477=; no amino-acid change (glycine 477 retained).
Molecular consequence: synonymous variant.
Genome position (GRCh38, 1-based): chr2:47,799,414, C>G. VCF-style: chr2-47799414-C-G. GRCh37 (hg19) VCF-style: chr2-48026553-C-G.
Other names: c.1041C>G, p.Gly347= (NM_001281492.2); c.525C>G, p.Gly175= (NM_001281493.2, NM_001281494.2); c.1431C>G (NM_000179.2).
Identifiers: ClinVar variation 1428945 (VCV001428945.10), dbSNP rs2104343567, ClinGen allele CA426121199.
Genomic context (GRCh38, chr2:47,799,414, plus strand): 5'-CCATTCTGGCTTTCCTGAAATTGCATTTGGCCGTTATTCAGATTCCCTGGTGCAGAAGGG[C>G]TATAAAGTAGCACGAGTGGAACAGACTGAGACTCCAGAAATGATGGAGGCACGATGTAGA-3'
Protein context (NP_000170.1, residues 467-487): GRYSDSLVQK[Gly477=]YKVARVEQTE

ClinVar aggregate classification (germline): Benign/Likely benign. Review status: criteria provided, multiple submitters, no conflicts (2 of 4 stars). 3 submissions from 3 submitters: Benign (1); Likely benign (2). Last evaluated 2024-12-26.

Conditions:
Hereditary nonpolyposis colorectal neoplasms. Identifiers: MedGen C0009405, MeSH D003123.
Hereditary cancer-predisposing syndrome. Also called: Tumor predisposition; Hereditary neoplastic syndrome; Neoplastic Syndromes, Hereditary; Hereditary Cancer Syndrome. Identifiers: Orphanet 140162, MedGen C0027672, MeSH D009386, MONDO:0015356.
Lynch syndrome 5 (LYNCH5). Also called: Hereditary non-polyposis colorectal cancer, type 5; Colorectal cancer, hereditary nonpolyposis, type 5. Identifiers: Orphanet 144, MedGen C1833477, MONDO:0013710, OMIM 614350. Disease mechanism: loss of function.

Submissions (3):

Myriad Genetics, Inc.
Classification: Benign for Lynch syndrome 5. Last evaluated: 2024-12-26. Review status: criteria provided, single submitter. Criteria: Myriad Autosomal Dominant, Autosomal Recessive and X-Linked Classification Criteria (2023). Collection method: clinical testing. Allele origin: unknown.
Comment: This variant is considered benign. This variant is a silent/synonymous amino acid change and it is not expected to impact splicing.

Labcorp Genetics (formerly Invitae), Labcorp
Classification: Likely benign for Hereditary nonpolyposis colorectal neoplasms. Last evaluated: 2024-04-29. Review status: criteria provided, single submitter. Criteria: Invitae Variant Classification Sherloc (09022015). Collection method: clinical testing. Allele origin: germline.

Ambry Genetics
Classification: Likely benign for Hereditary cancer-predisposing syndrome. Last evaluated: 2023-12-23. Review status: criteria provided, single submitter. Criteria: Ambry Variant Classification Scheme 2023. Collection method: clinical testing. Allele origin: germline.